The following is an entry in ClinVar:

NM_021629.4(GNB4):c.847C>T (p.Arg283Cys)

Gene: GNB4 (G protein subunit beta 4; minus strand). Cytogenetic location: 3q26.33.
Variant type: single nucleotide variant.
Coding change: c.847C>T on transcript NM_021629.4 (MANE Select); coding-DNA position 847, C replaced by T.
Protein change: p.Arg283Cys; replaces arginine 283 with cysteine.
Molecular consequence: missense variant.
Genome position (GRCh38, 1-based): chr3:179,405,259, G>A on the plus strand (C>T on the coding strand, the complement: GNB4 is on the minus strand). VCF-style: chr3-179405259-G-A. GRCh37 (hg19) VCF-style: chr3-179123047-G-A.
Other names: c.847C>T (NM_021629.3); short protein forms R283C.
Identifiers: ClinVar variation 2971838 (VCV002971838.4), dbSNP rs1714430172, ClinGen allele CA355468896.

ClinVar aggregate classification (germline): Uncertain significance. Review status: criteria provided, multiple submitters, no conflicts (2 of 4 stars). 2 submissions from 2 submitters: Uncertain significance (2). Last evaluated 2026-03-06.

Conditions:
Charcot-Marie-Tooth disease dominant intermediate F. Identifiers: Orphanet 352670, MedGen C4749463, MONDO:0014074, OMIM 615185.
GNB4-related disorder. Also called: GNB4-related condition.

Allele frequency attached by ClinVar (database versions not stated): TOPMed below 0.00001; gnomAD exomes 0.00001.
gnomAD v4.1: 12 of 1,614,110 alleles (0.00074%); highest among the groups gnomAD compares: African/African-American, 0.0013%; no homozygotes.

Submissions (2):

PreventionGenetics, part of Exact Sciences
Classification: Uncertain significance for GNB4-related condition. Last evaluated: 2026-03-06. Review status: criteria provided, single submitter. Criteria: ACMG Guidelines, 2015. Collection method: clinical testing. Allele origin: germline.
Comment: The GNB4 c.847C>T variant is predicted to result in the amino acid substitution p.Arg283Cys. To our knowledge, this variant has not been reported in the literature or in a large population database (gnomAD), indicating this variant is rare. At this time, the clinical significance of this variant is uncertain due to the absence of conclusive functional and genetic evidence.

Labcorp Genetics (formerly Invitae), Labcorp
Classification: Uncertain significance for Charcot-Marie-Tooth disease dominant intermediate F. Last evaluated: 2023-01-30. Review status: criteria provided, single submitter. Criteria: Invitae Variant Classification Sherloc (09022015). Collection method: clinical testing. Allele origin: germline.
Comment: This sequence change replaces arginine, which is basic and polar, with cysteine, which is neutral and slightly polar, at codon 283 of the GNB4 protein (p.Arg283Cys). This variant is not present in population databases (gnomAD no frequency). This variant has not been reported in the literature in individuals affected with GNB4-related conditions. Advanced modeling of protein sequence and biophysical properties (such as structural, functional, and spatial information, amino acid conservation, physicochemical variation, residue mobility, and thermodynamic stability) performed at Invitae indicates that this missense variant is expected to disrupt GNB4 protein function. Algorithms developed to predict the effect of sequence changes on RNA splicing suggest that this variant may disrupt the consensus splice site. In summary, the available evidence is currently insufficient to determine the role of this variant in disease. Therefore, it has been classified as a Variant of Uncertain Significance.